The following is an entry in ClinVar:

NM_000051.4(ATM):c.2155_2174del (p.Ser719fs)

Gene: ATM (ATM serine/threonine kinase; plus strand). Cytogenetic location: 11q22.3.
Variant type: Deletion.
Coding change: c.2155_2174del on transcript NM_000051.4 (MANE Select); coding-DNA positions 2155 to 2174, 20 bases deleted (TCACGTCTTTTGGTGGGTGT).
Protein change: p.Ser719fs; shifts the reading frame from serine 719.
Molecular consequence: frameshift variant.
Genome position (GRCh38, 1-based): chr11:108,256,245-108,256,264, TCACGTCTTTTGGTGGGTGT deleted; deleting any 20 consecutive bases within chr11:108,256,240-108,256,264 gives the same sequence; the c. name uses the placement nearest the transcript's 3' end. VCF-style (leftmost placement, unchanged base first): chr11-108256239-CGGTGTTCACGTCTTTTGGTG-C. GRCh37 (hg19) VCF-style: chr11-108126966-CGGTGTTCACGTCTTTTGGTG-C.
Other names: c.2155_2174del, p.Ser719fs (NM_001351834.2); short protein forms S719fs.
Identifiers: ClinVar variation 2431290 (VCV002431290.3), dbSNP rs2497357067, ClinGen allele CA2580083312.

ClinVar aggregate classification (germline): Pathogenic. Review status: criteria provided, multiple submitters, no conflicts (2 of 4 stars). 2 submissions from 2 submitters: Pathogenic (2). Last evaluated 2023-01-23.

Conditions:
Hereditary cancer-predisposing syndrome. Also called: Neoplastic Syndromes, Hereditary; Hereditary neoplastic syndrome; Hereditary Cancer Syndrome; Tumor predisposition. Identifiers: Orphanet 140162, MedGen C0027672, MeSH D009386, MONDO:0015356.
Familial cancer of breast. Also called: Hereditary breast cancer; BREAST CANCER, FAMILIAL; hereditary breast carcinoma. Identifiers: Orphanet 227535, MedGen C0346153, MONDO:0016419, OMIM 114480. Disease mechanism: loss of function.

Submissions (2):

Ambry Genetics
Classification: Pathogenic for Hereditary cancer-predisposing syndrome. Last evaluated: 2023-01-23. Review status: criteria provided, single submitter. Criteria: Ambry Variant Classification Scheme 2023. Collection method: clinical testing. Allele origin: germline.
Comment: The c.2155_2174del20 pathogenic mutation, located in coding exon 13 of the ATM gene, results from a deletion of 20 nucleotides at nucleotide positions 2155 to 2174, causing a translational frameshift with a predicted alternate stop codon (p.S719Pfs*12). This alteration is expected to result in loss of function by premature protein truncation or nonsense-mediated mRNA decay. As such, this alteration is interpreted as a disease-causing mutation.

Myriad Genetics, Inc.
Classification: Pathogenic for Familial cancer of breast. Last evaluated: 2022-12-29. Review status: criteria provided, single submitter. Criteria: Myriad Autosomal Dominant, Autosomal Recessive and X-Linked Classification Criteria (2023). Collection method: clinical testing. Allele origin: unknown.
Comment: This variant is considered pathogenic. This variant creates a frameshift predicted to result in premature protein truncation.